The following is an entry in ClinVar:

ClinVar aggregate classification (germline): Uncertain significance (1 of 4 stars; one submission).

Conditions:
Short-rib thoracic dysplasia 14 with polydactyly (SRTD14). Identifiers: Orphanet 397715, MedGen C4225286, MONDO:0014688, OMIM 616546.
Joubert syndrome 23 (JBTS23). Identifiers: Orphanet 475, MedGen C4084822, MONDO:0014664, OMIM 616490.

Submission:

Labcorp Genetics (formerly Invitae), Labcorp
Classification: Uncertain significance for Joubert syndrome 23; Short-rib thoracic dysplasia 14 with polydactyly. Last evaluated: 2023-06-13. Review status: criteria provided, single submitter. Criteria: Invitae Variant Classification Sherloc (09022015). Collection method: clinical testing. Allele origin: germline.
Comment: This sequence change replaces glycine, which is neutral and non-polar, with arginine, which is basic and polar, at codon 162 of the KIAA0586 protein (p.Gly162Arg). In summary, the available evidence is currently insufficient to determine the role of this variant in disease. Therefore, it has been classified as a Variant of Uncertain Significance. An algorithm developed to predict the effect of missense changes on protein structure and function (PolyPhen-2) suggests that this variant is likely to be tolerated. This variant has not been reported in the literature in individuals affected with KIAA0586-related conditions. This variant is not present in population databases (gnomAD no frequency).

NM_001329943.3(KIAA0586):c.411-1448G>A

Gene: KIAA0586 (KIAA0586; plus strand). Cytogenetic location: 14q23.1.
Variant type: single nucleotide variant.
Coding change: c.411-1448G>A on transcript NM_001329943.3 (MANE Select); 1448 bases into the intron before coding-DNA position 411, G replaced by A.
Molecular consequence: intron variant. On other transcripts: missense variant (2).
Genome position (GRCh38, 1-based): chr14:58,441,258, G>A. VCF-style: chr14-58441258-G-A. GRCh37 (hg19) VCF-style: chr14-58907976-G-A.
Other names: c.484G>A, p.Gly162Arg (NM_001244189.2); c.193G>A, p.Gly65Arg (NM_001244192.2); c.366-1448G>A (NM_001244190.2); c.156-1448G>A (NM_001244191.2, NM_001364701.2, NM_001329945.2 and 1 more transcripts); c.411-1448G>A (NM_001329944.2, NM_001329946.2, NM_001329947.2 and 1 more transcripts); c.-10-1448G>A (NM_001244193.2); short protein forms G162R, G65R.
Identifiers: ClinVar variation 2946199 (VCV002946199.3), dbSNP rs2542744912, ClinGen allele CA389860166.